The following is an entry in ClinVar:

NM_003185.4(TAF4):c.672G>A (p.Ala224=)

Gene: TAF4 (TATA-box binding protein associated factor 4; minus strand). Cytogenetic location: 20q13.33.
Variant type: single nucleotide variant.
Coding change: c.672G>A on transcript NM_003185.4 (MANE Select); coding-DNA position 672, G replaced by A.
Protein change: p.Ala224=; no amino-acid change (alanine 224 retained).
Molecular consequence: synonymous variant.
Genome position (GRCh38, 1-based): chr20:62,065,139, C>T on the plus strand (G>A on the coding strand, the complement: TAF4 is on the minus strand). VCF-style: chr20-62065139-C-T. GRCh37 (hg19) VCF-style: chr20-60640195-C-T.
Identifiers: ClinVar variation 5041683 (VCV005041683.1).

ClinVar aggregate classification (germline): Likely benign (1 of 4 stars; one submission).

gnomAD v4.1: 4 of 1,177,104 alleles (0.00034%); highest among the groups gnomAD compares: South Asian, 0.0015%; no homozygotes.

Submission:

CeGaT Center for Human Genetics Tuebingen
Classification: Likely benign. Last evaluated: 2026-09-01. Review status: criteria provided, single submitter. Criteria: CeGaT Center For Human Genetics Tuebingen Variant Classification Criteria Version 2. Collection method: clinical testing. Allele origin: germline. Affected: yes. Observed: 1 variant allele.
Comment: TAF4: BP4, BP7